The following is an entry in ClinVar:

NM_002184.4(IL6ST):c.1387A>G (p.Lys463Glu)

Gene: IL6ST (interleukin 6 cytokine family signal transducer; minus strand). Cytogenetic location: 5q11.2.
Variant type: single nucleotide variant.
Coding change: c.1387A>G on transcript NM_002184.4 (MANE Select); coding-DNA position 1387, A replaced by G.
Protein change: p.Lys463Glu; replaces lysine 463 with glutamic acid.
Molecular consequence: missense variant. On other transcripts: 3 prime UTR variant (1), non-coding transcript variant (2), intron variant (1).
Genome position (GRCh38, 1-based): chr5:55,954,873, T>C on the plus strand (A>G on the coding strand, the complement: IL6ST is on the minus strand). VCF-style: chr5-55954873-T-C. GRCh37 (hg19) VCF-style: chr5-55250701-T-C.
Other names: c.1387A>G, p.Lys463Glu (NM_001364275.2); c.1177A>G, p.Lys393Glu (NM_001364276.2); c.520A>G, p.Lys174Glu (NM_001364277.2); c.484A>G, p.Lys162Glu (NM_001364278.2); c.391A>G, p.Lys131Glu (NM_001364279.2); c.*314A>G (NM_175767.3); c.1267+1152A>G (NM_001190981.2); short protein forms K463E, K131E, K174E, K162E, K393E.
Identifiers: ClinVar variation 1952506 (VCV001952506.5), dbSNP rs562633426, ClinGen allele CA3271436.
Genomic context (GRCh38, chr5:55,954,873, plus strand): 5'-TTAAATAGGTGCGATGCACGGTACCATCTTCTTGTTGCCAGTCTGTGATACAGGGTGCTT[T>C]ATCTGATAACACACACCACTCAAGTATATATTTCTTTACAGATTCCCTTGGAGTAGTCCA-3'
Protein context (NP_002175.2, residues 453-473): YILEWCVLSD[Lys463Glu]APCITDWQQE

ClinVar aggregate classification (germline): Uncertain significance (1 of 4 stars; one submission).

Allele frequency attached by ClinVar (database versions not stated): gnomAD exomes 0.00002; ExAC 0.00005; TOPMed 0.00006; gnomAD 0.00007.
gnomAD v4.1: 39 of 1,613,752 alleles (0.0024%); highest among the groups gnomAD compares: South Asian, 0.026%; 1 homozygote.

Submission:

Labcorp Genetics (formerly Invitae), Labcorp
Classification: Uncertain significance. Last evaluated: 2023-08-17. Review status: criteria provided, single submitter. Criteria: Invitae Variant Classification Sherloc (09022015). Collection method: clinical testing. Allele origin: germline.
Comment: This sequence change replaces lysine, which is basic and polar, with glutamic acid, which is acidic and polar, at codon 463 of the IL6ST protein (p.Lys463Glu). This variant is present in population databases (rs562633426, gnomAD 0.03%). This variant has not been reported in the literature in individuals affected with IL6ST-related conditions. ClinVar contains an entry for this variant (Variation ID: 1952506). An algorithm developed to predict the effect of missense changes on protein structure and function (PolyPhen-2) suggests that this variant is likely to be tolerated. In summary, the available evidence is currently insufficient to determine the role of this variant in disease. Therefore, it has been classified as a Variant of Uncertain Significance.